The following is an entry in ClinVar:

ClinVar aggregate classification (germline): Uncertain significance (1 of 4 stars; one submission).

Allele frequency attached by ClinVar (database versions not stated): ExAC 0.00001; gnomAD exomes 0.00001.
gnomAD v4.1: 3 of 1,613,882 alleles (0.00019%); highest among the groups gnomAD compares: Admixed American, 0.005%; no homozygotes.

Submission:

Labcorp Genetics (formerly Invitae), Labcorp
Classification: Uncertain significance. Last evaluated: 2022-03-16. Review status: criteria provided, single submitter. Criteria: Invitae Variant Classification Sherloc (09022015). Collection method: clinical testing. Allele origin: germline.
Comment: This sequence change replaces aspartic acid, which is acidic and polar, with glutamic acid, which is acidic and polar, at codon 661 of the ARHGEF18 protein (p.Asp661Glu). This variant is present in population databases (rs781392316, gnomAD 0.006%). This variant has not been reported in the literature in individuals affected with ARHGEF18-related conditions. Algorithms developed to predict the effect of missense changes on protein structure and function output the following: SIFT: "Tolerated"; PolyPhen-2: "Benign"; Align-GVGD: "Class C0". The glutamic acid amino acid residue is found in multiple mammalian species, which suggests that this missense change does not adversely affect protein function. In summary, the available evidence is currently insufficient to determine the role of this variant in disease. Therefore, it has been classified as a Variant of Uncertain Significance.

NM_001367823.1(ARHGEF18):c.2547C>A (p.Asp849Glu)

Gene: ARHGEF18 (Rho/Rac guanine nucleotide exchange factor 18; plus strand). Cytogenetic location: 19p13.2.
Variant type: single nucleotide variant.
Coding change: c.2547C>A on transcript NM_001367823.1 (MANE Select); coding-DNA position 2547, C replaced by A.
Protein change: p.Asp849Glu; replaces aspartic acid 849 with glutamic acid.
Molecular consequence: missense variant.
Genome position (GRCh38, 1-based): chr19:7,462,246, C>A. VCF-style: chr19-7462246-C-A. GRCh37 (hg19) VCF-style: chr19-7527132-C-A.
Other names: c.1821C>A, p.Asp607Glu (NM_001130955.2); c.1509C>A, p.Asp503Glu (NM_001367824.1, NM_015318.4); short protein forms D503E, D607E, D849E.
Identifiers: ClinVar variation 1901018 (VCV001901018.2), dbSNP rs781392316, ClinGen allele CA9136896.